The following is an entry in ClinVar:

ClinVar aggregate classification (germline): Benign (0 of 4 stars; one submission).

Conditions:
DNAH17-related disorder. Also called: DNAH17-related condition.

Allele frequency attached by ClinVar (database versions not stated): gnomAD exomes 0.00059; ExAC 0.00217; 1000 Genomes Project 30x 0.00593; gnomAD 0.00654; 1000 Genomes Project 0.00659; TOPMed 0.00730; ESP Exome Variant Server 0.00808.
gnomAD v4.1: 1,904 of 1,602,040 alleles (0.12%); highest among the groups gnomAD compares: African/African-American, 2.2%; 15 homozygotes.

Submission:

PreventionGenetics, part of Exact Sciences
Classification: Benign for DNAH17-related condition. Last evaluated: 2024-08-30. Review status: no assertion criteria provided. Collection method: clinical testing. Allele origin: germline.
Comment: This variant is classified as benign based on ACMG/AMP sequence variant interpretation guidelines (Richards et al. 2015 PMID: 25741868, with internal and published modifications).

NM_173628.4(DNAH17):c.1580T>C (p.Met527Thr)

Gene: DNAH17 (dynein axonemal heavy chain 17; minus strand). Cytogenetic location: 17q25.3.
Variant type: single nucleotide variant.
Coding change: c.1580T>C on transcript NM_173628.4 (MANE Select); coding-DNA position 1580, T replaced by C.
Protein change: p.Met527Thr; replaces methionine 527 with threonine.
Molecular consequence: missense variant.
Genome position (GRCh38, 1-based): chr17:78,561,970, A>G on the plus strand (T>C on the coding strand, the complement: DNAH17 is on the minus strand). VCF-style: chr17-78561970-A-G. GRCh37 (hg19) VCF-style: chr17-76558052-A-G.
Other names: short protein forms M527T.
Identifiers: ClinVar variation 3049882 (VCV003049882.2), dbSNP rs61741385, ClinGen allele CA8805087.